The following is an entry in ClinVar:

ClinVar aggregate classification (germline): Uncertain significance (1 of 4 stars; one submission).

Conditions:
Orthostatic hypotension 1 (ORTHYP1). Also called: Orthostatic hypotension 1, due to DBH deficiency; NORADRENALINE DEFICIENCY; NOREPINEPHRINE DEFICIENCY; Dopamine beta-hydroxylase deficiency. Identifiers: Orphanet 230, MedGen C4746777, MONDO:0009123, OMIM 223360.

gnomAD v4.1: 3 of 1,612,822 alleles (0.00019%); highest among the groups gnomAD compares: Non-Finnish European, 0.00025%; no homozygotes.

Submission:

Labcorp Genetics (formerly Invitae), Labcorp
Classification: Uncertain significance for Orthostatic hypotension 1. Last evaluated: 2021-06-23. Review status: criteria provided, single submitter. Criteria: Invitae Variant Classification Sherloc (09022015). Collection method: clinical testing. Allele origin: germline.
Comment: In summary, the available evidence is currently insufficient to determine the role of this variant in disease. Therefore, it has been classified as a Variant of Uncertain Significance. Algorithms developed to predict the effect of sequence changes on RNA splicing suggest that this variant may create or strengthen a splice site. Algorithms developed to predict the effect of missense changes on protein structure and function are either unavailable or do not agree on the potential impact of this missense change (SIFT: "Deleterious"; PolyPhen-2: "Probably Damaging"; Align-GVGD: "Class C0"). This variant has not been reported in the literature in individuals affected with DBH-related conditions. This variant is not present in population databases (ExAC no frequency). This sequence change replaces threonine with arginine at codon 391 of the DBH protein (p.Thr391Arg). The threonine residue is moderately conserved and there is a moderate physicochemical difference between threonine and arginine.

NM_000787.4(DBH):c.1172C>G (p.Thr391Arg)

Gene: DBH (dopamine beta-hydroxylase; plus strand). Cytogenetic location: 9q34.2.
Variant type: single nucleotide variant.
Coding change: c.1172C>G on transcript NM_000787.4 (MANE Select); coding-DNA position 1172, C replaced by G.
Protein change: p.Thr391Arg; replaces threonine 391 with arginine.
Molecular consequence: missense variant.
Genome position (GRCh38, 1-based): chr9:133,647,993, C>G. VCF-style: chr9-133647993-C-G. GRCh37 (hg19) VCF-style: chr9-136513115-C-G.
Other names: short protein forms T391R.
Identifiers: ClinVar variation 1519130 (VCV001519130.8), dbSNP rs138015991, ClinGen allele CA375417623.